The following is an entry in ClinVar:

NM_004523.4(KIF11):c.1727_1728del (p.Ser576fs)

Gene: KIF11 (kinesin family member 11; plus strand). Cytogenetic location: 10q23.33.
Variant type: Microsatellite.
Coding change: c.1727_1728del on transcript NM_004523.4 (MANE Select); coding-DNA positions 1727 to 1728, 2 bases deleted (CT; older notation c.1727_1728delCT).
Protein change: p.Ser576fs; shifts the reading frame from serine 576.
Molecular consequence: frameshift variant.
Genome position (GRCh38, 1-based): chr10:92,633,647-92,633,648, CT deleted; deleting any 2 consecutive bases within chr10:92,633,644-92,633,648 gives the same sequence; the c. name uses the placement nearest the transcript's 3' end. VCF-style (leftmost placement, unchanged base first): chr10-92633643-GTC-G. GRCh37 (hg19) VCF-style: chr10-94393400-GTC-G.
Other names: short protein forms S576fs.
Identifiers: ClinVar variation 2749825 (VCV002749825.3), dbSNP rs2492520929, ClinGen allele CA2574612502.

ClinVar aggregate classification (germline): Pathogenic (1 of 4 stars; one submission).

Submission:

Labcorp Genetics (formerly Invitae), Labcorp
Classification: Pathogenic. Last evaluated: 2023-08-03. Review status: criteria provided, single submitter. Criteria: Invitae Variant Classification Sherloc (09022015). Collection method: clinical testing. Allele origin: germline.
Comment: This variant is not present in population databases (gnomAD no frequency). This variant has not been reported in the literature in individuals affected with KIF11-related conditions. For these reasons, this variant has been classified as Pathogenic. This sequence change creates a premature translational stop signal (p.Ser576Cysfs*29) in the KIF11 gene. It is expected to result in an absent or disrupted protein product. Loss-of-function variants in KIF11 are known to be pathogenic (PMID: 22284827, 24281367).

Literature cited by the submitters: PubMed 22284827; PubMed 24281367.